The following is an entry in ClinVar:

ClinVar aggregate classification (germline): Uncertain significance (1 of 4 stars; one submission).

Conditions:
Ataxia-telangiectasia syndrome (AT). Also called: Ataxia-telangiectasia, complementation group D; AT, COMPLEMENTATION GROUP C; ATAXIA-TELANGIECTASIA, COMPLEMENTATION GROUP A; ATAXIA-TELANGIECTASIA, FRESNO VARIANT; Ataxia-telangiectasia; LOUIS-BAR SYNDROME. Identifiers: Orphanet 100, MedGen C0004135, MONDO:0008840, OMIM 208900.

Submission:

Labcorp Genetics (formerly Invitae), Labcorp
Classification: Uncertain significance for Ataxia-telangiectasia syndrome. Last evaluated: 2018-12-01. Review status: criteria provided, single submitter. Criteria: Invitae Variant Classification Sherloc (09022015). Collection method: clinical testing. Allele origin: germline.
Comment: In summary, the available evidence is currently insufficient to determine the role of this variant in disease. Therefore, it has been classified as a Variant of Uncertain Significance. Algorithms developed to predict the effect of missense changes on protein structure and function output the following: SIFT: "Tolerated"; PolyPhen-2: "Benign"; Align-GVGD: "Class C0". The serine amino acid residue is found in multiple mammalian species, suggesting that this missense change does not adversely affect protein function. These predictions have not been confirmed by published functional studies and their clinical significance is uncertain. This variant has not been reported in the literature in individuals with ATM-related conditions. This variant is not present in population databases (ExAC no frequency). This sequence change replaces isoleucine with serine at codon 2185 of the ATM protein (p.Ile2185Ser). The isoleucine residue is weakly conserved and there is a large physicochemical difference between isoleucine and serine.

NM_000051.4(ATM):c.6554T>G (p.Ile2185Ser)

Genes: ATM (ATM serine/threonine kinase; plus strand), C11orf65 (chromosome 11 open reading frame 65; minus strand). Cytogenetic location: 11q22.3.
Variant type: single nucleotide variant.
Coding change: c.6554T>G on transcript NM_000051.4 (MANE Select); coding-DNA position 6554, T replaced by G.
Protein change: p.Ile2185Ser; replaces isoleucine 2185 with serine.
Molecular consequence: missense variant. On other transcripts: intron variant (2).
Genome position (GRCh38, 1-based): chr11:108,321,402, T>G. VCF-style: chr11-108321402-T-G. GRCh37 (hg19) VCF-style: chr11-108192129-T-G.
Other names: c.6554T>G, p.Ile2185Ser (NM_001351834.2); c.641-12331A>C (NM_001330368.2); c.*39-12331A>C (NM_001351110.2); short protein forms I2185S.
Identifiers: ClinVar variation 663117 (VCV000663117.9), dbSNP rs779611511, ClinGen allele CA382554359.